The following is an entry in ClinVar:

ClinVar aggregate classification (germline): Likely pathogenic. Review status: criteria provided, multiple submitters, no conflicts (2 of 4 stars). 2 submissions from 2 submitters: Likely pathogenic (2). Last evaluated 2025-07-07.

Conditions:
Muscular dystrophy-dystroglycanopathy (congenital with brain and eye anomalies), type a, 11 (MDDGA11). Also called: Muscular dystrophy-dystroglycanopathy (congenital with brain and eye anomalies, type A, 11; WALKER-WARBURG SYNDROME OR MUSCLE-EYE-BRAIN DISEASE, B3GALNT2-RELATED; Congenital muscular dystrophy-dystroglycanopathy with brain and eye anomalies, type A11. Identifiers: Orphanet 588, Orphanet 899, MedGen C3554638, MONDO:0014071, OMIM 615181.

gnomAD v4.1: 3 of 1,599,232 alleles (0.00019%); highest among the groups gnomAD compares: Non-Finnish European, 0.00026%; no homozygotes.

Submissions (2):

Labcorp Genetics (formerly Invitae), Labcorp
Classification: Likely pathogenic for Muscular dystrophy-dystroglycanopathy (congenital with brain and eye anomalies), type a, 11. Last evaluated: 2025-07-07. Review status: criteria provided, single submitter. Criteria: Invitae Variant Classification Sherloc (09022015). Collection method: clinical testing. Allele origin: germline.
Comment: This sequence change affects a donor splice site in intron 10 of the B3GALNT2 gene. It is expected to disrupt RNA splicing. Variants that disrupt the donor or acceptor splice site typically lead to a loss of protein function (PMID: 16199547), and loss-of-function variants in B3GALNT2 are known to be pathogenic (PMID: 23453667). This variant is not present in population databases (gnomAD no frequency). This variant has not been reported in the literature in individuals affected with B3GALNT2-related conditions. ClinVar contains an entry for this variant (Variation ID: 1475007). Algorithms developed to predict the effect of sequence changes on RNA splicing suggest that this variant may disrupt the consensus splice site. In summary, the currently available evidence indicates that the variant is pathogenic, but additional data are needed to prove that conclusively. Therefore, this variant has been classified as Likely Pathogenic.

Revvity Omics, Revvity
Classification: Likely pathogenic for Muscular dystrophy-dystroglycanopathy (congenital with brain and eye anomalies), type a, 11. Last evaluated: 2025-03-13. Review status: criteria provided, single submitter. Criteria: ACMG Guidelines, 2015. Collection method: clinical testing. Allele origin: germline.

Literature cited by the submitters: PubMed 16199547 (cited by Labcorp Genetics (formerly Invitae), Labcorp); PubMed 23453667 (cited by Labcorp Genetics (formerly Invitae), Labcorp).

NM_152490.5(B3GALNT2):c.1311+1G>A

Gene: B3GALNT2 (beta-1,3-N-acetylgalactosaminyltransferase 2; minus strand). Cytogenetic location: 1q42.3.
Variant type: single nucleotide variant.
Coding change: c.1311+1G>A on transcript NM_152490.5 (MANE Select); the canonical splice donor site of the intron after coding-DNA position 1311, G replaced by A.
Molecular consequence: splice donor variant.
Genome position (GRCh38, 1-based): chr1:235,454,155, C>T on the plus strand (G>A on the coding strand, the complement: B3GALNT2 is on the minus strand). VCF-style: chr1-235454155-C-T. GRCh37 (hg19) VCF-style: chr1-235617467-C-T.
Identifiers: ClinVar variation 1475007 (VCV001475007.7), dbSNP rs1379052702, ClinGen allele CA344956592.